The following is an entry in ClinVar:

NM_022773.4(LMF1):c.1069C>T (p.Pro357Ser)

Gene: LMF1 (lipase maturation factor 1; minus strand). Cytogenetic location: 16p13.3.
Variant type: single nucleotide variant.
Coding change: c.1069C>T on transcript NM_022773.4 (MANE Select); coding-DNA position 1069, C replaced by T.
Protein change: p.Pro357Ser; replaces proline 357 with serine.
Molecular consequence: missense variant. On other transcripts: non-coding transcript variant (1).
Genome position (GRCh38, 1-based): chr16:871,170, G>A on the plus strand (C>T on the coding strand, the complement: LMF1 is on the minus strand). VCF-style: chr16-871170-G-A. GRCh37 (hg19) VCF-style: chr16-921170-G-A.
Other names: c.418C>T, p.Pro140Ser (NM_001352017.2, NM_001352021.2); c.670C>T, p.Pro224Ser (NM_001352018.2); c.742C>T, p.Pro248Ser (NM_001352019.2); c.1069C>T, p.Pro357Ser (NM_001352020.1); short protein forms P140S, P224S, P248S, P357S.
Identifiers: ClinVar variation 4859225 (VCV004859225.1).
Genomic context (GRCh38, chr16:871,170, plus strand): 5'-CACCCGACTTTCTCCTGCCCTTGGGCAGGGGCCCCCAGCTGAGCCACCTACCGAATCTGG[G>A]CTCGGGCCGGGCCCCTCGGATGTCCCTCTGCATCTGCAGAACTCGGTCCTTCAGGCTGCC-3'
Protein context (NP_073610.2, residues 347-367): QRDIRGARPE[Pro357Ser]RFGSVVRRAA

ClinVar aggregate classification (germline): Uncertain significance (1 of 4 stars; one submission).

Conditions:
Cardiovascular phenotype. Identifiers: MedGen CN230736.

gnomAD v4.1: 4 of 1,592,856 alleles (0.00025%); highest among the groups gnomAD compares: African/African-American, 0.004%; no homozygotes.

Submission:

Ambry Genetics
Classification: Uncertain significance for Cardiovascular phenotype. Last evaluated: 2026-03-29. Review status: criteria provided, single submitter. Criteria: Ambry Variant Classification Scheme 2023. Collection method: clinical testing. Allele origin: germline.
Comment: The p.P357S variant (also known as c.1069C>T), located in coding exon 7 of the LMF1 gene, results from a C to T substitution at nucleotide position 1069. The proline at codon 357 is replaced by serine, an amino acid with similar properties. This amino acid position is conserved. In addition, this alteration is predicted to be tolerated by in silico analysis. Based on the available evidence, the clinical significance of this variant remains unclear.